The following is an entry in ClinVar:

NM_002878.4(RAD51D):c.*4G>A

Genes: RAD51D (RAD51 paralog D; minus strand), RAD51L3-RFFL (RAD51L3-RFFL readthrough; minus strand). Cytogenetic location: 17q12.
Variant type: single nucleotide variant.
Coding change: c.*4G>A on transcript NM_002878.4 (MANE Select); 4 bases downstream of the stop codon, G replaced by A.
Molecular consequence: 3 prime UTR variant. On other transcripts: non-coding transcript variant (2).
Genome position (GRCh38, 1-based): chr17:35,100,949, C>T on the plus strand (G>A on the coding strand, the complement: RAD51D is on the minus strand). VCF-style: chr17-35100949-C-T. GRCh37 (hg19) VCF-style: chr17-33427968-C-T.
Other names: c.*4G>A (NM_001142571.2, NM_133629.3).
Identifiers: ClinVar variation 231210 (VCV000231210.8), dbSNP rs876659026, ClinGen allele CA10580436.

ClinVar aggregate classification (germline): Conflicting classifications of pathogenicity. Review status: criteria provided, conflicting classifications (1 of 4 stars). 5 submissions from 5 submitters: Uncertain significance (2); Benign (1); Likely benign (2). Last evaluated 2025-06-03.

Conditions:
Hereditary cancer-predisposing syndrome. Also called: Neoplastic Syndromes, Hereditary; Tumor predisposition; Hereditary Cancer Syndrome; Hereditary neoplastic syndrome. Identifiers: Orphanet 140162, MedGen C0027672, MeSH D009386, MONDO:0015356.
Breast-ovarian cancer, familial, susceptibility to, 4. Identifiers: Orphanet 145, MedGen C3280345, MONDO:0013669, OMIM 614291.
Hereditary breast ovarian cancer syndrome. Also called: BRCA1- and BRCA2-Associated Hereditary Breast and Ovarian Cancer; Hereditary breast and ovarian cancer syndrome; Hereditary breast and ovarian cancer; Hereditary breast and ovarian cancer syndrome (HBOC); Breast and ovarian cancer; Hereditary breast and/or ovarian cancer syndrome. Identifiers: Orphanet 145, MedGen C0677776, MeSH D061325, MONDO:0003582. Disease mechanism: loss of function.

Allele frequency attached by ClinVar (database versions not stated): gnomAD exomes below 0.00001; gnomAD 0.00001.
gnomAD v4.1: 3 of 1,609,908 alleles (0.00019%); highest among the groups gnomAD compares: Non-Finnish European, 0.00026%; no homozygotes.

Submissions (5):

Color Diagnostics, LLC DBA Color Health
Classification: Uncertain significance for Hereditary cancer-predisposing syndrome. Last evaluated: 2025-06-03. Review status: criteria provided, single submitter. Criteria: ACMG Guidelines, 2015. Collection method: clinical testing. Allele origin: germline.
Comment: This variant is located in the 3' untranslated region of the RAD51D gene. To our knowledge, functional studies have not been reported for this variant. This variant has not been reported in individuals affected with RAD51D-related disorders in the literature. This variant has been identified in 1/251490 chromosomes in the general population by the Genome Aggregation Database (gnomAD). The available evidence is insufficient to determine the role of this variant in disease conclusively. Therefore, this variant is classified as a Variant of Uncertain Significance.

Myriad Genetics, Inc.
Classification: Benign for Breast-ovarian cancer, familial, susceptibility to, 4. Last evaluated: 2025-02-25. Review status: criteria provided, single submitter. Criteria: Myriad Autosomal Dominant, Autosomal Recessive and X-Linked Classification Criteria (2023). Collection method: clinical testing. Allele origin: unknown.
Comment: This variant is considered benign. This variant occurs in the non-coding 3' untranslated region of the gene, and is not expected to impact protein function.

Institute for Biomarker Research, Medical Diagnostic Laboratories, L.L.C.
Classification: Likely benign for Hereditary breast ovarian cancer syndrome. Last evaluated: 2024-06-11. Review status: criteria provided, single submitter. Criteria: ACMG Guidelines, 2015. Collection method: clinical testing. Allele origin: germline.

GeneDx
Classification: Likely benign. Last evaluated: 2017-05-15. Review status: criteria provided, single submitter. Criteria: GeneDx Variant Classification (06012015). Collection method: clinical testing. Allele origin: germline. Affected: yes.
Comment: This variant is considered likely benign or benign based on one or more of the following criteria: it is a conservative change, it occurs at a poorly conserved position in the protein, it is predicted to be benign by multiple in silico algorithms, and/or has population frequency not consistent with disease.

Ambry Genetics
Classification: Uncertain significance for Hereditary cancer-predisposing syndrome. Last evaluated: 2015-04-06. Review status: criteria provided, single submitter. Criteria: Ambry Variant Classification Scheme 2023. Collection method: clinical testing. Allele origin: germline.
Comment: The c.*4G>A variant is located in the 3' untranslated region (3&rsquo; UTR) of the RAD51D gene. This variant results from a G to A substitution four nucleotides after the last translated codon. This variant was not reported in population based cohorts in the following databases: Database of Single Nucleotide Polymorphisms (dbSNP), NHLBI Exome Sequencing Project (ESP), and 1000 Genomes Project. In the ESP, this variant was not observed in 6503 samples (13006 alleles) with coverage at this position. To date, this alteration has been detected with an allele frequency of approximately 0.003% (greater than 28000 alleles tested) in our clinical cohort. This nucleotide position is well conserved in available vertebrate species. Since supporting evidence is limited at this time, the clinical significance of c.*4G>A remains unclear.